The following is an entry in ClinVar:

ClinVar aggregate classification (germline): Uncertain significance (1 of 4 stars; one submission).

Conditions:
Spondyloenchondrodysplasia with immune dysregulation (SPENCDI). Also called: SPONDYLOENCHONDRODYSPLASIA WITH OR WITHOUT IMMUNE DYSREGULATION; ROIFMAN IMMUNOSKELETAL SYNDROME; COMBINED IMMUNODEFICIENCY WITH AUTOIMMUNITY AND SPONDYLOMETAPHYSEAL DYSPLASIA. Identifiers: Orphanet 1855, MedGen C1842763, MONDO:0011939, OMIM 607944.

Allele frequency attached by ClinVar (database versions not stated): TOPMed below 0.00001; gnomAD 0.00001; gnomAD exomes 0.00001.
gnomAD v4.1: 8 of 1,613,900 alleles (0.0005%); highest among the groups gnomAD compares: Non-Finnish European, 0.00068%; no homozygotes.

Submission:

Labcorp Genetics (formerly Invitae), Labcorp
Classification: Uncertain significance for Spondyloenchondrodysplasia with immune dysregulation. Last evaluated: 2020-03-05. Review status: criteria provided, single submitter. Criteria: Invitae Variant Classification Sherloc (09022015). Collection method: clinical testing. Allele origin: germline.
Comment: This variant is not present in population databases (ExAC no frequency). This sequence change replaces alanine with aspartic acid at codon 181 of the ACP5 protein (p.Ala181Asp). The alanine residue is highly conserved and there is a moderate physicochemical difference between alanine and aspartic acid. This variant has not been reported in the literature in individuals with ACP5-related conditions. In summary, the available evidence is currently insufficient to determine the role of this variant in disease. Therefore, it has been classified as a Variant of Uncertain Significance. Algorithms developed to predict the effect of missense changes on protein structure and function are either unavailable or do not agree on the potential impact of this missense change (SIFT: "Not Available"; PolyPhen-2: "Probably Damaging"; Align-GVGD: "Not Available").

NM_001611.5(ACP5):c.542C>A (p.Ala181Asp)

Gene: ACP5 (acid phosphatase 5, tartrate resistant; minus strand). Cytogenetic location: 19p13.2.
Variant type: single nucleotide variant.
Coding change: c.542C>A on transcript NM_001611.5 (MANE Select); coding-DNA position 542, C replaced by A.
Protein change: p.Ala181Asp; replaces alanine 181 with aspartic acid.
Molecular consequence: missense variant.
Genome position (GRCh38, 1-based): chr19:11,576,436, G>T on the plus strand (C>A on the coding strand, the complement: ACP5 is on the minus strand). VCF-style: chr19-11576436-G-T. GRCh37 (hg19) VCF-style: chr19-11687251-G-T.
Other names: c.542C>A, p.Ala181Asp (NM_001111034.3, NM_001111035.3, NM_001111036.3 and 1 more transcripts); short protein forms A181D.
Identifiers: ClinVar variation 1018400 (VCV001018400.7), dbSNP rs745457954, ClinGen allele CA305358911.